The following is an entry in ClinVar:

ClinVar aggregate classification (germline): Likely benign. Review status: criteria provided, multiple submitters, no conflicts (2 of 4 stars). 3 submissions from 3 submitters: Likely benign (3). Last evaluated 2023-07-07.

Conditions:
Hereditary cancer-predisposing syndrome. Also called: Hereditary neoplastic syndrome; Hereditary Cancer Syndrome; Neoplastic Syndromes, Hereditary; Tumor predisposition. Identifiers: Orphanet 140162, MedGen C0027672, MeSH D009386, MONDO:0015356.
Lynch syndrome 5 (LYNCH5). Also called: Colorectal cancer, hereditary nonpolyposis, type 5; Hereditary non-polyposis colorectal cancer, type 5. Identifiers: Orphanet 144, MedGen C1833477, MONDO:0013710, OMIM 614350. Disease mechanism: loss of function.

Allele frequency attached by ClinVar (database versions not stated): gnomAD exomes 0.00001 and 0.00004; TOPMed 0.00002; gnomAD 0.00003; ExAC 0.00004; ESP Exome Variant Server 0.00008.
gnomAD v4.1: 18 of 1,580,500 alleles (0.0011%); highest among the groups gnomAD compares: Non-Finnish European, 0.000086%; 1 homozygote.

Submissions (3):

KCCC/NGS Laboratory, Kuwait Cancer Control Center
Classification: Likely benign for Lynch syndrome 5. Last evaluated: 2023-07-07. Review status: criteria provided, single submitter. Criteria: ACMG Guidelines, 2015. Collection method: clinical testing. Allele origin: germline. Affected: yes.

GeneDx
Classification: Likely benign. Last evaluated: 2017-05-24. Review status: criteria provided, single submitter. Criteria: GeneDx Variant Classification (06012015). Collection method: clinical testing. Allele origin: germline. Affected: yes.
Comment: This variant is considered likely benign or benign based on one or more of the following criteria: it is a conservative change, it occurs at a poorly conserved position in the protein, it is predicted to be benign by multiple in silico algorithms, and/or has population frequency not consistent with disease.

Color Diagnostics, LLC DBA Color Health
Classification: Likely benign for Hereditary cancer-predisposing syndrome. Last evaluated: 2015-05-18. Review status: criteria provided, single submitter. Criteria: ACMG Guidelines, 2015. Collection method: clinical testing. Allele origin: germline.

NM_000179.3(MSH6):c.4002-20T>G

Gene: MSH6 (mutS homolog 6; plus strand). Cytogenetic location: 2p16.3.
Variant type: single nucleotide variant.
Coding change: c.4002-20T>G on transcript NM_000179.3 (MANE Select); 20 bases into the intron before coding-DNA position 4002, T replaced by G.
Molecular consequence: intron variant.
Genome position (GRCh38, 1-based): chr2:47,806,759, T>G. VCF-style: chr2-47806759-T-G. GRCh37 (hg19) VCF-style: chr2-48033898-T-G.
Other names: c.3096-20T>G (NM_001281493.2, NM_001281494.2); c.3612-20T>G (NM_001281492.2).
Identifiers: ClinVar variation 378172 (VCV000378172.4), dbSNP rs370707739, ClinGen allele CA072632.